The following is an entry in ClinVar:

ClinVar aggregate classification (germline): Uncertain significance (1 of 4 stars; one submission).

Submission:

Labcorp Genetics (formerly Invitae), Labcorp
Classification: Uncertain significance. Last evaluated: 2025-04-22. Review status: criteria provided, single submitter. Criteria: Invitae Variant Classification Sherloc (09022015). Collection method: clinical testing. Allele origin: germline.
Comment: This sequence change replaces phenylalanine, which is neutral and non-polar, with valine, which is neutral and non-polar, at codon 255 of the SLC12A2 protein (p.Phe255Val). This variant is not present in population databases (gnomAD no frequency). This variant has not been reported in the literature in individuals affected with SLC12A2-related conditions. Invitae Evidence Modeling of protein sequence and biophysical properties (such as structural, functional, and spatial information, amino acid conservation, physicochemical variation, residue mobility, and thermodynamic stability) indicates that this missense variant is not expected to disrupt SLC12A2 protein function with a negative predictive value of 95%. In summary, the available evidence is currently insufficient to determine the role of this variant in disease. Therefore, it has been classified as a Variant of Uncertain Significance.

NM_001046.3(SLC12A2):c.763T>G (p.Phe255Val)

Gene: SLC12A2 (solute carrier family 12 member 2; plus strand). Cytogenetic location: 5q23.3.
Variant type: single nucleotide variant.
Coding change: c.763T>G on transcript NM_001046.3 (MANE Select); coding-DNA position 763, T replaced by G.
Protein change: p.Phe255Val; replaces phenylalanine 255 with valine.
Molecular consequence: missense variant. On other transcripts: non-coding transcript variant (1).
Genome position (GRCh38, 1-based): chr5:128,112,820, T>G. VCF-style: chr5-128112820-T-G. GRCh37 (hg19) VCF-style: chr5-127448512-T-G.
Other names: c.763T>G, p.Phe255Val (NM_001256461.2); short protein forms F255V.
Identifiers: ClinVar variation 4699238 (VCV004699238.1).